The following is an entry in ClinVar:

ClinVar aggregate classification (germline): Uncertain significance. Review status: criteria provided, multiple submitters, no conflicts (2 of 4 stars). 2 submissions from 2 submitters: Uncertain significance (2). Last evaluated 2021-08-27.

Conditions:
Aortic aneurysm, familial thoracic 4 (AAT4). Also called: AORTIC ANEURYSM/AORTIC DISSECTION AND PATENT DUCTUS ARTERIOSUS. Identifiers: MedGen C1851504, MONDO:0007568, OMIM 132900.

Allele frequency attached by ClinVar (database versions not stated): gnomAD exomes below 0.00001.
gnomAD v4.1: 2 of 1,614,172 alleles (0.00012%); highest among the groups gnomAD compares: Non-Finnish European, 0.00017%; no homozygotes.

Submissions (2):

Labcorp Genetics (formerly Invitae), Labcorp
Classification: Uncertain significance for Aortic aneurysm, familial thoracic 4. Last evaluated: 2021-08-27. Review status: criteria provided, single submitter. Criteria: Invitae Variant Classification Sherloc (09022015). Collection method: clinical testing. Allele origin: germline.
Comment: This sequence change replaces alanine with valine at codon 450 of the MYH11 protein (p.Ala450Val). The alanine residue is highly conserved and there is a small physicochemical difference between alanine and valine. This variant is not present in population databases (ExAC no frequency). This variant has not been reported in the literature in individuals affected with MYH11-related conditions. Algorithms developed to predict the effect of missense changes on protein structure and function are either unavailable or do not agree on the potential impact of this missense change (SIFT: "Deleterious"; PolyPhen-2: "Benign"; Align-GVGD: "Class C55"). In summary, the available evidence is currently insufficient to determine the role of this variant in disease. Therefore, it has been classified as a Variant of Uncertain Significance.

GeneDx
Classification: Uncertain significance. Last evaluated: 2019-05-16. Review status: criteria provided, single submitter. Criteria: GeneDx Variant Classification Process June 2021. Collection method: clinical testing. Allele origin: germline. Affected: yes.
Comment: Has not been previously published as pathogenic or benign to our knowledge; Not observed in large population cohorts (Lek et al., 2016); In silico analysis, which includes protein predictors and evolutionary conservation, supports a deleterious effect

NM_002474.3(MYH11):c.1328C>T (p.Ala443Val)

Gene: MYH11 (myosin heavy chain 11; minus strand). Cytogenetic location: 16p13.11.
Variant type: single nucleotide variant.
Coding change: c.1328C>T on transcript NM_002474.3 (MANE Select); coding-DNA position 1328, C replaced by T.
Protein change: p.Ala443Val; replaces alanine 443 with valine.
Molecular consequence: missense variant.
Genome position (GRCh38, 1-based): chr16:15,759,649, G>A on the plus strand (C>T on the coding strand, the complement: MYH11 is on the minus strand). VCF-style: chr16-15759649-G-A. GRCh37 (hg19) VCF-style: chr16-15853506-G-A.
Other names: c.1349C>T, p.Ala450Val (NM_001040113.2, NM_001040114.2); c.1328C>T, p.Ala443Val (NM_022844.3); short protein forms A443V, A450V.
Identifiers: ClinVar variation 1319040 (VCV001319040.6), dbSNP rs2041820377, ClinGen allele CA394872470.